The following is an entry in ClinVar:

ClinVar aggregate classification (germline): Uncertain significance (1 of 4 stars; one submission).

Conditions:
Familial focal epilepsy with variable foci (FPEVF). Identifiers: Orphanet 98820, MedGen C1858477, MONDO:0020310.

Submission:

Labcorp Genetics (formerly Invitae), Labcorp
Classification: Uncertain significance for Familial focal epilepsy with variable foci. Last evaluated: 2024-01-21. Review status: criteria provided, single submitter. Criteria: Invitae Variant Classification Sherloc (09022015). Collection method: clinical testing. Allele origin: germline.
Comment: This sequence change replaces tyrosine, which is neutral and polar, with serine, which is neutral and polar, at codon 1550 of the DEPDC5 protein (p.Tyr1550Ser). This variant is not present in population databases (gnomAD no frequency). This variant has not been reported in the literature in individuals affected with DEPDC5-related conditions. Experimental studies and prediction algorithms are not available or were not evaluated, and the functional significance of this variant is currently unknown. In summary, the available evidence is currently insufficient to determine the role of this variant in disease. Therefore, it has been classified as a Variant of Uncertain Significance.

NM_001242896.3(DEPDC5):c.4649A>C (p.Tyr1550Ser)

Gene: DEPDC5 (DEP domain containing 5, GATOR1 subcomplex subunit; plus strand). Cytogenetic location: 22q12.3.
Variant type: single nucleotide variant.
Coding change: c.4649A>C on transcript NM_001242896.3 (MANE Select); coding-DNA position 4649, A replaced by C.
Protein change: p.Tyr1550Ser; replaces tyrosine 1550 with serine.
Molecular consequence: missense variant. On other transcripts: non-coding transcript variant (5).
Genome position (GRCh38, 1-based): chr22:31,906,334, A>C. VCF-style: chr22-31906334-A-C. GRCh37 (hg19) VCF-style: chr22-32302320-A-C.
Other names: c.4622A>C, p.Tyr1541Ser (NM_001136029.4); c.4349A>C, p.Tyr1450Ser (NM_001242897.2); c.4583A>C, p.Tyr1528Ser (NM_001363852.2, NM_001364320.2); c.4415A>C, p.Tyr1472Ser (NM_001363854.2, NM_001364319.2); c.4649A>C, p.Tyr1550Ser (NM_001364318.2); c.4565A>C, p.Tyr1522Ser (NM_001369901.1, NM_001369902.1); c.4556A>C, p.Tyr1519Ser (NM_001369903.1, NM_014662.6); short protein forms Y1450S, Y1472S, Y1519S, Y1522S, Y1528S, Y1541S, Y1550S.
Identifiers: ClinVar variation 2710624 (VCV002710624.3), dbSNP rs748028381, ClinGen allele CA411292639.
Genomic context (GRCh38, chr22:31,906,334, plus strand): 5'-CCACCAGCTCCACCAACCAGAACATGTTCTGCGAGGAGCGGGTCGGCTACAACTGGGCCT[A>C]CAACACCATGCTCACCAAAACATGGCGCTCCAGCGCCACAGGGGATGAAAAGTTTGCTGA-3'
Protein context (NP_001229825.1, residues 1540-1560): CEERVGYNWA[Tyr1550Ser]NTMLTKTWRS